The following is an entry in ClinVar:

NM_001114753.3(ENG):c.765del (p.Tyr258fs)

Gene: ENG (endoglin; minus strand). Cytogenetic location: 9q34.11.
Variant type: Deletion.
Coding change: c.765del on transcript NM_001114753.3 (MANE Select); coding-DNA position 765, one base deleted (T; older notation c.765delT).
Protein change: p.Tyr258fs; shifts the reading frame from tyrosine 258.
Molecular consequence: frameshift variant.
Genome position (GRCh38, 1-based): chr9:127,825,282, A deleted on the plus strand (T on the coding strand, the reverse complement: ENG is on the minus strand). VCF-style (leftmost placement, unchanged base first): chr9-127825281-GA-G. GRCh37 (hg19) VCF-style: chr9-130587560-GA-G.
Other names: c.765delT (NM_000118.3); c.765delT, p.Tyr258Thrfs (NM_000118.4, NM_001406715.1); c.219del, p.Tyr76fs (NM_001278138.2); short protein forms Y258fs, Y76fs.
Identifiers: ClinVar variation 439654 (VCV000439654.11), dbSNP rs1554810232, ClinGen allele CA645509432.

ClinVar aggregate classification (germline): Pathogenic/Likely pathogenic. Review status: criteria provided, multiple submitters, no conflicts (2 of 4 stars). 3 submissions from 3 submitters: Pathogenic (2); Likely pathogenic (1). Last evaluated 2026-01-26.

Conditions:
Hereditary hemorrhagic telangiectasia (HHT). Also called: ORW DISEASE; Osler Weber Rendu syndrome; OSLER-RENDU-WEBER DISEASE; Osler hemorrhagic telangiectasia syndrome. Identifiers: Orphanet 774, MedGen C0039445, MONDO:0019180. Disease mechanism: loss of function.
Telangiectasia, hereditary hemorrhagic, type 1 (HHT1). Also called: Osler Weber Rendu syndrome type 1; ENG-Related Hereditary Hemorrhagic Telangiectasia. Identifiers: Orphanet 774, MedGen C4551861, MONDO:0008535, OMIM 187300. Disease mechanism: loss of function.

Submissions (3):

Medical and Scientific Branch, Hong Kong Genome Institute
Classification: Likely pathogenic for Telangiectasia, hereditary hemorrhagic, type 1. Last evaluated: 2026-01-26. Review status: criteria provided, single submitter. Criteria: ACMG Guidelines, 2015. Collection method: clinical testing. Allele origin: unknown. Affected: yes.

Labcorp Genetics (formerly Invitae), Labcorp
Classification: Pathogenic for Hereditary hemorrhagic telangiectasia. Last evaluated: 2019-11-29. Review status: criteria provided, single submitter. Criteria: Invitae Variant Classification Sherloc (09022015). Collection method: clinical testing. Allele origin: germline.
Comment: This sequence change creates a premature translational stop signal (p.Tyr258Thrfs*101) in the ENG gene. It is expected to result in an absent or disrupted protein product. This variant is not present in population databases (ExAC no frequency). A different variant (c.772del) with the same protein effect has been observed in individual(s) with hereditary hemorrhagic telangiectasia (PMID: 16470589, 31400083, 22991266). ClinVar contains an entry for this variant (Variation ID: 439654). Loss-of-function variants in ENG are known to be pathogenic (PMID: 15879500, 20656886, 22385575). For these reasons, this variant has been classified as Pathogenic.

ARUP Laboratories, Molecular Genetics and Genomics, ARUP Laboratories
Classification: Pathogenic. Last evaluated: 2016-12-01. Review status: criteria provided, single submitter. Criteria: ARUP Molecular Germline Variant Investigation Process. Collection method: clinical testing. Allele origin: germline.

Literature cited by the submitters: PubMed 31400083 (cited by Labcorp Genetics (formerly Invitae), Labcorp); PubMed 16470589 (cited by Labcorp Genetics (formerly Invitae), Labcorp); PubMed 22991266 (cited by Labcorp Genetics (formerly Invitae), Labcorp).